The following is an entry in ClinVar:

ClinVar aggregate classification (germline): Pathogenic/Likely pathogenic. Review status: criteria provided, multiple submitters, no conflicts (2 of 4 stars). 4 submissions from 4 submitters: Pathogenic (2); Likely pathogenic (1). 1 of the submissions does not count toward it. Last evaluated 2024-06-24.

Conditions:
Biotinidase deficiency. Also called: BTD deficiency; Late-onset biotin-responsive multiple carboxylase deficiency; Biotin deficiency. Identifiers: Orphanet 79241, MedGen C0220754, MONDO:0009665, OMIM 253260.

Submissions (4):

Labcorp Genetics (formerly Invitae), Labcorp
Classification: Pathogenic for Biotinidase deficiency. Last evaluated: 2024-06-24. Review status: criteria provided, single submitter. Criteria: Invitae Variant Classification Sherloc (09022015). Collection method: clinical testing. Allele origin: germline.
Comment: This sequence change creates a premature translational stop signal (p.Leu498Phefs*13) in the BTD gene. While this is not anticipated to result in nonsense mediated decay, it is expected to disrupt the last 46 amino acid(s) of the BTD protein. This variant is present in population databases (rs760773815, gnomAD 0.006%). This premature translational stop signal has been observed in individual(s) with biotinidase deficiency (PMID: 17382128, 19728141, 29359854). In at least one individual the data is consistent with being in trans (on the opposite chromosome) from a pathogenic variant. ClinVar contains an entry for this variant (Variation ID: 587752). Algorithms developed to predict the effect of variants on gene product structure and function are not available or were not evaluated for this variant. Experimental studies have shown that this premature translational stop signal affects BTD function (PMID: 29359854). For these reasons, this variant has been classified as Pathogenic.

Baylor Genetics
Classification: Pathogenic for Biotinidase deficiency. Last evaluated: 2023-12-23. Review status: criteria provided, single submitter. Criteria: ACMG Guidelines, 2015. Collection method: clinical testing. Allele origin: unknown.

Juno Genomics, Hangzhou Juno Genomics, Inc
Classification: Likely pathogenic for Biotinidase deficiency. Review status: criteria provided, single submitter. Criteria: ACMG Guidelines, 2015. Collection method: clinical testing. Allele origin: germline.
Comment: Absent from controls (or at extremely low frequency if recessive) in Genome Aggregation Database.;Null variant in a gene where loss of function (LOF) is a known mechanism of disease.;For recessive disorders, detected in trans with a pathogenic variant.;Patient's phenotype or family history is highly specific for a disease with a single genetic etiology.

Center for Molecular Medicine, Children’s Hospital of Fudan University
Classification: Pathogenic for Biotinidase deficiency. Last evaluated: 2022-03-08. Review status: no assertion criteria provided. Collection method: clinical testing. Allele origin: biparental. Affected: yes. Not counted in ClinVar's aggregate classification.

Literature cited by the submitters: PubMed 17382128 (cited by Labcorp Genetics (formerly Invitae), Labcorp and Center for Molecular Medicine, Children’s Hospital of Fudan University); PubMed 19728141 (cited by Labcorp Genetics (formerly Invitae), Labcorp); PubMed 29359854 (cited by Labcorp Genetics (formerly Invitae), Labcorp).

NM_001370658.1(BTD):c.1433dup (p.Leu478fs)

Gene: BTD (biotinidase; plus strand). Cytogenetic location: 3p25.1.
Variant type: Duplication.
Coding change: c.1433dup on transcript NM_001370658.1 (MANE Select); coding-DNA position 1433, one base duplicated (T; older notation c.1433dupT).
Protein change: p.Leu478fs; shifts the reading frame from leucine 478.
Molecular consequence: frameshift variant. On other transcripts: intron variant (8).
Genome position (GRCh38, 1-based): chr3:15,645,349, T duplicated; the last of 3 consecutive T bases (chr3:15,645,347-15,645,349); duplicating any one gives the same sequence. VCF-style (leftmost placement, unchanged base first): chr3-15645346-C-CT. GRCh37 (hg19) VCF-style: chr3-15686853-C-CT.
Other names: c.1493dup, p.Leu498Phefs (NM_000060.4); c.1430delinsCT (NM_001370658.1); c.1433dup, p.Leu478fs (NM_001407377.1, NM_001407378.1, NM_001281723.4 and 16 more transcripts); c.1015+418dup (NM_001370752.1, NM_001407379.1); c.399+3292dup (NM_001370753.1, NM_001407400.1, NM_001407380.1 and 3 more transcripts); short protein forms L478fs.
Identifiers: ClinVar variation 587752 (VCV000587752.18), dbSNP rs397514425, ClinGen allele CA278349.
Genomic context (GRCh38, chr3:15,645,346, plus strand): 5'-AGGCCACGGGGATATTTGAGTTTCACCTGTGGGGCAACTTCAGTACTTCCTATATCTTTC[C>CT]TTTGTTTCTGACCTCAGGGATGACCCTAGAAGTCCCTGACCAGCTTGGCTGGGAGAATGA-3'